The following is an entry in ClinVar:

ClinVar aggregate classification (germline): Uncertain significance (1 of 4 stars; one submission).

Allele frequency attached by ClinVar (database versions not stated): TOPMed below 0.00001.

Submission:

Labcorp Genetics (formerly Invitae), Labcorp
Classification: Uncertain significance. Last evaluated: 2024-06-03. Review status: criteria provided, single submitter. Criteria: Invitae Variant Classification Sherloc (09022015). Collection method: clinical testing. Allele origin: germline.
Comment: This sequence change replaces valine, which is neutral and non-polar, with isoleucine, which is neutral and non-polar, at codon 291 of the CTNNB1 protein (p.Val291Ile). This variant is not present in population databases (gnomAD no frequency). This variant has not been reported in the literature in individuals affected with CTNNB1-related conditions. ClinVar contains an entry for this variant (Variation ID: 1718508). Advanced modeling of protein sequence and biophysical properties (such as structural, functional, and spatial information, amino acid conservation, physicochemical variation, residue mobility, and thermodynamic stability) performed at Invitae indicates that this missense variant is not expected to disrupt CTNNB1 protein function with a negative predictive value of 80%. In summary, the available evidence is currently insufficient to determine the role of this variant in disease. Therefore, it has been classified as a Variant of Uncertain Significance.

NM_001904.4(CTNNB1):c.871G>A (p.Val291Ile)

Gene: CTNNB1 (catenin beta 1; plus strand). Cytogenetic location: 3p22.1.
Variant type: single nucleotide variant.
Coding change: c.871G>A on transcript NM_001904.4 (MANE Select); coding-DNA position 871, G replaced by A.
Protein change: p.Val291Ile; replaces valine 291 with isoleucine.
Molecular consequence: missense variant.
Genome position (GRCh38, 1-based): chr3:41,225,796, G>A. VCF-style: chr3-41225796-G-A. GRCh37 (hg19) VCF-style: chr3-41267287-G-A.
Other names: c.871G>A, p.Val291Ile (NM_001098209.2, NM_001098210.2); c.850G>A, p.Val284Ile (NM_001330729.2); short protein forms V284I, V291I.
Identifiers: ClinVar variation 1718508 (VCV001718508.5), dbSNP rs2078161483, ClinGen allele CA352230336.